The following is an entry in ClinVar:

ClinVar aggregate classification (germline): Likely benign. Review status: criteria provided, multiple submitters, no conflicts (2 of 4 stars). 2 submissions from 2 submitters: Likely benign (2). Last evaluated 2026-03-03.

Conditions:
CELSR1-related disorder. Also called: CELSR1-related condition.

Allele frequency attached by ClinVar (database versions not stated): 1000 Genomes Project 30x 0.00031; 1000 Genomes Project 0.00040; ExAC 0.00050; gnomAD 0.00150; TOPMed 0.00174; ESP Exome Variant Server 0.00238.
gnomAD v4.1: 500 of 1,612,590 alleles (0.031%); highest among the groups gnomAD compares: African/African-American, 0.58%; 3 homozygotes.

Submissions (2):

PreventionGenetics, part of Exact Sciences
Classification: Likely benign for CELSR1-related condition. Last evaluated: 2026-03-03. Review status: criteria provided, single submitter. Criteria: ACMG Guidelines, 2015. Collection method: clinical testing. Allele origin: germline.
Comment: This variant is classified as likely benign based on ACMG/AMP sequence variant interpretation guidelines (Richards et al. 2015 PMID: 25741868, with internal and published modifications).

CeGaT Center for Human Genetics Tuebingen
Classification: Likely benign. Last evaluated: 2023-04-01. Review status: criteria provided, single submitter. Criteria: CeGaT Center For Human Genetics Tuebingen Variant Classification Criteria Version 2. Collection method: clinical testing. Allele origin: germline. Affected: yes. Observed: 1 variant allele.
Comment: CELSR1: BP4, BP7

NM_001378328.1(CELSR1):c.2295C>T (p.Ser765=)

Gene: CELSR1 (cadherin EGF LAG seven-pass G-type receptor 1; minus strand). Cytogenetic location: 22q13.31.
Variant type: single nucleotide variant.
Coding change: c.2295C>T on transcript NM_001378328.1 (MANE Select); coding-DNA position 2295, C replaced by T.
Protein change: p.Ser765=; no amino-acid change (serine 765 retained).
Molecular consequence: synonymous variant.
Genome position (GRCh38, 1-based): chr22:46,534,876, G>A on the plus strand (C>T on the coding strand, the complement: CELSR1 is on the minus strand). VCF-style: chr22-46534876-G-A. GRCh37 (hg19) VCF-style: chr22-46930773-G-A.
Other names: c.2295C>T (NM_014246.1); c.2295C>T, p.Ser765= (NM_014246.4).
Identifiers: ClinVar variation 2653342 (VCV002653342.25), dbSNP rs146551285, ClinGen allele CA10295278.